The following is an entry in ClinVar:

NM_006514.4(SCN10A):c.2052G>A (p.Met684Ile)

Gene: SCN10A (sodium voltage-gated channel alpha subunit 10; minus strand). Cytogenetic location: 3p22.2.
Variant type: single nucleotide variant.
Coding change: c.2052G>A on transcript NM_006514.4 (MANE Select); coding-DNA position 2052, G replaced by A.
Protein change: p.Met684Ile; replaces methionine 684 with isoleucine.
Molecular consequence: missense variant.
Genome position (GRCh38, 1-based): chr3:38,742,345, C>T on the plus strand (G>A on the coding strand, the complement: SCN10A is on the minus strand). VCF-style: chr3-38742345-C-T. GRCh37 (hg19) VCF-style: chr3-38783836-C-T.
Other names: c.2052G>A, p.Met684Ile (NM_001293306.2); c.1758G>A, p.Met586Ile (NM_001293307.2); short protein forms M684I, M586I.
Identifiers: ClinVar variation 463237 (VCV000463237.5), dbSNP rs1553619005, ClinGen allele CA352165069.

ClinVar aggregate classification (germline): Uncertain significance (1 of 4 stars; one submission).

Conditions:
Brugada syndrome. Also called: Sudden Unexplained Death Syndrome; Sudden Unexplained Nocturnal Death Syndrome (SUNDS); Sudden unexplained nocturnal death syndrome; Sudden unexpected nocturnal death syndrome. Identifiers: Orphanet 130, MedGen C1142166, MONDO:0015263.

Submission:

Labcorp Genetics (formerly Invitae), Labcorp
Classification: Uncertain significance for Brugada syndrome. Last evaluated: 2017-07-16. Review status: criteria provided, single submitter. Criteria: Invitae Variant Classification Sherloc (09022015). Collection method: clinical testing. Allele origin: germline.
Comment: This sequence change replaces methionine with isoleucine at codon 684 of the SCN10A protein (p.Met684Ile). The methionine residue is moderately conserved and there is a small physicochemical difference between methionine and isoleucine. This variant is not present in population databases (ExAC no frequency). In summary, the available evidence is currently insufficient to determine the role of this variant in disease. Therefore, it has been classified as a Variant of Uncertain Significance. Algorithms developed to predict the effect of sequence changes on RNA splicing suggest that this variant may create or strengthen a splice site, but this prediction has not been confirmed by published transcriptional studies. Algorithms developed to predict the effect of missense changes on protein structure and function (SIFT, PolyPhen-2, Align-GVGD) all suggest that this variant is likely to be tolerated, but these predictions have not been confirmed by published functional studies and their clinical significance is uncertain. This variant has not been reported in the literature in individuals with SCN10A-related disease.